The following is an entry in ClinVar:

NM_006996.3(SLC19A2):c.77G>A (p.Arg26His)

Genes: SLC19A2 (solute carrier family 19 member 2; minus strand), LOC129931894 (ATAC-STARR-seq lymphoblastoid silent region 1546; plus strand). Cytogenetic location: 1q24.2.
Variant type: single nucleotide variant.
Coding change: c.77G>A on transcript NM_006996.3 (MANE Select); coding-DNA position 77, G replaced by A.
Protein change: p.Arg26His; replaces arginine 26 with histidine.
Molecular consequence: missense variant.
Genome position (GRCh38, 1-based): chr1:169,485,690, C>T on the plus strand (G>A on the coding strand, the complement: SLC19A2 is on the minus strand). VCF-style: chr1-169485690-C-T. GRCh37 (hg19) VCF-style: chr1-169454928-C-T.
Other names: c.77G>A, p.Arg26His (NM_001319667.1); short protein forms R26H.
Identifiers: ClinVar variation 1379000 (VCV001379000.8), dbSNP rs910991540, ClinGen allele CA343112404.

ClinVar aggregate classification (germline): Uncertain significance (1 of 4 stars; one submission).

Submission:

Labcorp Genetics (formerly Invitae), Labcorp
Classification: Uncertain significance. Last evaluated: 2021-06-30. Review status: criteria provided, single submitter. Criteria: Invitae Variant Classification Sherloc (09022015). Collection method: clinical testing. Allele origin: germline.
Comment: In summary, the available evidence is currently insufficient to determine the role of this variant in disease. Therefore, it has been classified as a Variant of Uncertain Significance. Advanced modeling of protein sequence and biophysical properties (such as structural, functional, and spatial information, amino acid conservation, physicochemical variation, residue mobility, and thermodynamic stability) performed at Invitae indicates that this missense variant is not expected to disrupt SLC19A2 protein function. This sequence change replaces arginine with histidine at codon 26 of the SLC19A2 protein (p.Arg26His). The arginine residue is weakly conserved and there is a small physicochemical difference between arginine and histidine. The frequency data for this variant in the population databases is considered unreliable, as metrics indicate insufficient coverage at this position in the ExAC database. This variant has not been reported in the literature in individuals affected with SLC19A2-related conditions.